The following is an entry in ClinVar:

ClinVar aggregate classification (germline): Uncertain significance (1 of 4 stars; one submission).

Conditions:
Hereditary cancer-predisposing syndrome. Also called: Neoplastic Syndromes, Hereditary; Hereditary Cancer Syndrome; Hereditary neoplastic syndrome; Tumor predisposition. Identifiers: Orphanet 140162, MedGen C0027672, MeSH D009386, MONDO:0015356.

Submission:

Ambry Genetics
Classification: Uncertain significance for Hereditary cancer-predisposing syndrome. Last evaluated: 2023-04-18. Review status: criteria provided, single submitter. Criteria: Ambry Variant Classification Scheme 2023. Collection method: clinical testing. Allele origin: germline.
Comment: The p.S1086R variant (also known as c.3256A>C), located in coding exon 21 of the TSC1 gene, results from an A to C substitution at nucleotide position 3256. The serine at codon 1086 is replaced by arginine, an amino acid with dissimilar properties. This amino acid position is conserved. In addition, this alteration is predicted to be deleterious by in silico analysis. Since supporting evidence is limited at this time, the clinical significance of this alteration remains unclear.

NM_000368.5(TSC1):c.3256A>C (p.Ser1086Arg)

Gene: TSC1 (TSC complex subunit 1; minus strand). Cytogenetic location: 9q34.13.
Variant type: single nucleotide variant.
Coding change: c.3256A>C on transcript NM_000368.5 (MANE Select); coding-DNA position 3256, A replaced by C.
Protein change: p.Ser1086Arg; replaces serine 1086 with arginine.
Molecular consequence: missense variant. On other transcripts: non-coding transcript variant (5).
Genome position (GRCh38, 1-based): chr9:132,896,474, T>G on the plus strand (A>C on the coding strand, the complement: TSC1 is on the minus strand). VCF-style: chr9-132896474-T-G. GRCh37 (hg19) VCF-style: chr9-135771861-T-G.
Other names: c.3253A>C, p.Ser1085Arg (NM_001162426.2, NM_001406597.1, NM_001406598.1 and 2 more transcripts); c.3103A>C, p.Ser1035Arg (NM_001162427.2, NM_001406610.1); c.2893A>C, p.Ser965Arg (NM_001362177.2, NM_001406614.1, NM_001406615.1 and 4 more transcripts); c.3256A>C, p.Ser1086Arg (NM_001406592.1, NM_001406593.1, NM_001406594.1 and 2 more transcripts); c.3241A>C, p.Ser1081Arg (NM_001406601.1, NM_001406602.1); c.3238A>C, p.Ser1080Arg (NM_001406603.1, NM_001406604.1); c.3214A>C, p.Ser1072Arg (NM_001406605.1, NM_001406606.1, NM_001406607.1); c.3211A>C, p.Ser1071Arg (NM_001406608.1, NM_001406609.1); and 8 more; short protein forms S1085R, S769R, S951R, S1071R, S950R, S964R, S965R, S1020R.
Identifiers: ClinVar variation 2562855 (VCV002562855.2), dbSNP rs2131598437, ClinGen allele CA375366837.